The following is an entry in ClinVar:

NM_033026.6(PCLO):c.4595G>A (p.Ser1532Asn)

Gene: PCLO (piccolo presynaptic cytomatrix protein; minus strand). Cytogenetic location: 7q21.11.
Variant type: single nucleotide variant.
Coding change: c.4595G>A on transcript NM_033026.6 (MANE Select); coding-DNA position 4595, G replaced by A.
Protein change: p.Ser1532Asn; replaces serine 1532 with asparagine.
Molecular consequence: missense variant.
Genome position (GRCh38, 1-based): chr7:82,956,358, C>T on the plus strand (G>A on the coding strand, the complement: PCLO is on the minus strand). VCF-style: chr7-82956358-C-T. GRCh37 (hg19) VCF-style: chr7-82585674-C-T.
Other names: c.4595G>A, p.Ser1532Asn (NM_014510.3); short protein forms S1532N.
Identifiers: ClinVar variation 1452962 (VCV001452962.10), dbSNP rs557658951, ClinGen allele CA4320799.
Genomic context (GRCh38, chr7:82,956,358, plus strand): 5'-TCTTCCCCTGATCCTTGGCTGTCTTCCTGTTTATACTCATCACTGCTTGATGAGCCAACA[C>T]TAGTTCTTCGTTTTCTTTGTGGAACAGGTGAGTTTTCACTTTCACTACTCTCTTCAACTG-3'
Protein context (NP_149015.2, residues 1522-1542): SPVPQRKRRT[Ser1532Asn]VGSSSSDEYK

ClinVar aggregate classification (germline): Likely benign. Review status: criteria provided, multiple submitters, no conflicts (2 of 4 stars). 3 submissions from 3 submitters: Likely benign (3). Last evaluated 2025-11-17.

Conditions:
Pontocerebellar hypoplasia type 3 (PCH3). Also called: PCH WITH OPTIC ATROPHY; CEREBELLAR ATROPHY WITH PROGRESSIVE MICROCEPHALY. Identifiers: Orphanet 97249, MedGen C1842687, MONDO:0011948, OMIM 608027.

Allele frequency attached by ClinVar (database versions not stated): gnomAD 0.00001 and 0.00011; TOPMed 0.00001; gnomAD exomes 0.00016 and 0.00039; ExAC 0.00046; 1000 Genomes Project 30x 0.00125; 1000 Genomes Project 0.00160.
gnomAD v4.1: 258 of 1,613,370 alleles (0.016%); highest among the groups gnomAD compares: South Asian, 0.26%; 1 homozygote.

Submissions (3):

Labcorp Genetics (formerly Invitae), Labcorp
Classification: Likely benign. Last evaluated: 2025-11-17. Review status: criteria provided, single submitter. Criteria: Invitae Variant Classification Sherloc (09022015). Collection method: clinical testing. Allele origin: germline.

Women's Health and Genetics/Laboratory Corporation of America, LabCorp
Classification: Likely benign. Last evaluated: 2025-11-11. Review status: criteria provided, single submitter. Criteria: LabCorp Variant Classification Summary - May 2015. Collection method: clinical testing. Allele origin: germline.
Comment: Variant summary: PCLO c.4595G>A (p.Ser1532Asn) results in a conservative amino acid change in the encoded protein sequence. Algorithms developed to predict the effect of missense changes on protein structure and function are either unavailable or do not agree on the potential impact of this missense change. The variant allele was found at a frequency of 0.00039 in 248478 control chromosomes, predominantly at a frequency of 0.0032 within the South Asian subpopulation in the gnomAD database. The observed variant frequency within South Asian control individuals in the gnomAD database exceeds the estimated maximal expected allele frequency for disease-causing variants in PCLO. To our knowledge, no occurrence of c.4595G>A in individuals affected with PCLO-related conditions and no experimental evidence demonstrating its impact on protein function have been reported. ClinVar contains an entry for this variant (Variation ID: 1452962). Based on the evidence outlined above, the variant was classified as likely benign.

Fulgent Genetics
Classification: Likely benign for Pontocerebellar hypoplasia type 3. Last evaluated: 2021-07-24. Review status: criteria provided, single submitter. Criteria: ACMG Guidelines, 2015. Collection method: clinical testing. Allele origin: unknown.